The following is an entry in ClinVar:

NM_000245.4(MET):c.572G>A (p.Arg191Gln)

Gene: MET (MET proto-oncogene, receptor tyrosine kinase; plus strand). Cytogenetic location: 7q31.2.
Variant type: single nucleotide variant.
Coding change: c.572G>A on transcript NM_000245.4 (MANE Select); coding-DNA position 572, G replaced by A.
Protein change: p.Arg191Gln; replaces arginine 191 with glutamine.
Molecular consequence: missense variant. On other transcripts: intron variant (1).
Genome position (GRCh38, 1-based): chr7:116,699,656, G>A. VCF-style: chr7-116699656-G-A. GRCh37 (hg19) VCF-style: chr7-116339710-G-A.
Other names: c.572G>A, p.Arg191Gln (NM_001127500.3, NM_001324401.3); c.-91+27079G>A (NM_001324402.2); short protein forms R191Q.
Identifiers: ClinVar variation 246647 (VCV000246647.15), dbSNP rs879254342, ClinGen allele CA10584673.

ClinVar aggregate classification (germline): Conflicting classifications of pathogenicity. Review status: criteria provided, conflicting classifications (1 of 4 stars). 3 submissions from 3 submitters: Uncertain significance (2); Benign (1). Last evaluated 2025-11-02.

Conditions:
Renal cell carcinoma. Identifiers: Orphanet 217071, MedGen C0007134, MeSH D002292, MONDO:0005086, HP:0005584.
Hereditary cancer-predisposing syndrome. Also called: Hereditary neoplastic syndrome; Neoplastic Syndromes, Hereditary; Tumor predisposition; Hereditary Cancer Syndrome. Identifiers: Orphanet 140162, MedGen C0027672, MeSH D009386, MONDO:0015356.

Allele frequency attached by ClinVar (database versions not stated): gnomAD 0.00001; gnomAD exomes 0.00001; TOPMed 0.00001.
gnomAD v4.1: 18 of 1,613,836 alleles (0.0011%); highest among the groups gnomAD compares: South Asian, 0.0022%; no homozygotes.

Submissions (3):

Labcorp Genetics (formerly Invitae), Labcorp
Classification: Uncertain significance for Renal cell carcinoma. Last evaluated: 2025-11-02. Review status: criteria provided, single submitter. Criteria: Invitae Variant Classification Sherloc (09022015). Collection method: clinical testing. Allele origin: germline.
Comment: This sequence change replaces arginine, which is basic and polar, with glutamine, which is neutral and polar, at codon 191 of the MET protein (p.Arg191Gln). This variant is present in population databases (no rsID available, gnomAD 0.002%). This variant has not been reported in the literature in individuals affected with MET-related conditions. ClinVar contains an entry for this variant (Variation ID: 246647). Invitae Evidence Modeling of protein sequence and biophysical properties (such as structural, functional, and spatial information, amino acid conservation, physicochemical variation, residue mobility, and thermodynamic stability) indicates that this missense variant is not expected to disrupt MET protein function with a negative predictive value of 80%. In summary, the available evidence is currently insufficient to determine the role of this variant in disease. Therefore, it has been classified as a Variant of Uncertain Significance.

Ambry Genetics
Classification: Benign for Hereditary cancer-predisposing syndrome. Last evaluated: 2024-04-12. Review status: criteria provided, single submitter. Criteria: Ambry Variant Classification Scheme 2023. Collection method: clinical testing. Allele origin: germline.

GeneDx
Classification: Uncertain significance. Last evaluated: 2023-03-13. Review status: criteria provided, single submitter. Criteria: GeneDx Variant Classification Process June 2021. Collection method: clinical testing. Allele origin: germline. Affected: yes.
Comment: Not observed at significant frequency in large population cohorts (gnomAD); In silico analysis supports that this missense variant does not alter protein structure/function; Has not been previously published as pathogenic or benign to our knowledge; This variant is associated with the following publications: (PMID: 15167892)